The following is an entry in ClinVar:

NM_133497.4(KCNV2):c.*184C>T

Gene: KCNV2 (potassium voltage-gated channel modifier subfamily V member 2; plus strand). Cytogenetic location: 9p24.2.
Variant type: single nucleotide variant.
Coding change: c.*184C>T on transcript NM_133497.4 (MANE Select); 184 bases downstream of the stop codon, C replaced by T.
Molecular consequence: 3 prime UTR variant.
Genome position (GRCh38, 1-based): chr9:2,729,911, C>T. VCF-style: chr9-2729911-C-T. GRCh37 (hg19) VCF-style: chr9-2729911-C-T.
Identifiers: ClinVar variation 914856 (VCV000914856.5), dbSNP rs147633417, ClinGen allele CA187990754.

ClinVar aggregate classification (germline): Benign. Review status: criteria provided, multiple submitters, no conflicts (2 of 4 stars). 2 submissions from 2 submitters: Benign (2). Last evaluated 2017-04-27.

Conditions:
Cone dystrophy with supernormal rod response (CDSRR). Also called: CONE DYSTROPHY WITH SUPERNORMAL ROD RESPONSES. Identifiers: Orphanet 209932, MedGen C1835897, MONDO:0012475, OMIM 610356.

Allele frequency attached by ClinVar (database versions not stated): gnomAD exomes 0.00044; 1000 Genomes Project 0.00300; 1000 Genomes Project 30x 0.00359; gnomAD 0.00371 and 0.00410; TOPMed 0.00442.
gnomAD v4.1: 812 of 646,832 alleles (0.13%); highest among the groups gnomAD compares: African/African-American, 1.2%; 5 homozygotes.

Submissions (2):

Illumina Laboratory Services, Illumina
Classification: Benign for Cone dystrophy with supernormal rod response. Last evaluated: 2017-04-27. Review status: criteria provided, single submitter. Criteria: ICSL Variant Classification Criteria 13 December 2019. Collection method: clinical testing. Allele origin: germline.
Comment: This variant was observed as part of a predisposition screen in an ostensibly healthy population. A literature search was performed for the gene, cDNA change, and amino acid change (where applicable). No publications were found based on this search. Allele frequency data from public databases was too high to be consistent with this variant causing disease. Therefore, this variant is classified as benign.

Breakthrough Genomics
Classification: Benign. Review status: criteria provided, single submitter. Criteria: ACMG Guidelines, 2015. Collection method: not provided. Allele origin: germline. Inheritance: Autosomal recessive inheritance. Affected: yes.